The following is an entry in ClinVar:

NM_031935.3(HMCN1):c.4414G>A (p.Ala1472Thr)

Gene: HMCN1 (hemicentin 1; plus strand). Cytogenetic location: 1q31.1.
Variant type: single nucleotide variant.
Coding change: c.4414G>A on transcript NM_031935.3 (MANE Select); coding-DNA position 4414, G replaced by A.
Protein change: p.Ala1472Thr; replaces alanine 1472 with threonine.
Molecular consequence: missense variant.
Genome position (GRCh38, 1-based): chr1:186,003,783, G>A. VCF-style: chr1-186003783-G-A. GRCh37 (hg19) VCF-style: chr1-185972915-G-A.
Other names: short protein forms A1472T.
Identifiers: ClinVar variation 1948907 (VCV001948907.6), dbSNP rs763411017, ClinGen allele CA1292000.

ClinVar aggregate classification (germline): Conflicting classifications of pathogenicity. Review status: criteria provided, conflicting classifications (1 of 4 stars). 2 submissions from 2 submitters: Uncertain significance (1); Likely benign (1). Last evaluated 2022-04-10.

Allele frequency attached by ClinVar (database versions not stated): ExAC 0.00002; gnomAD 0.00003; TOPMed 0.00003.
gnomAD v4.1: 40 of 1,612,624 alleles (0.0025%); highest among the groups gnomAD compares: Middle Eastern, 0.016%; 1 homozygote.

Submissions (2):

Labcorp Genetics (formerly Invitae), Labcorp
Classification: Uncertain significance. Last evaluated: 2022-04-10. Review status: criteria provided, single submitter. Criteria: Invitae Variant Classification Sherloc (09022015). Collection method: clinical testing. Allele origin: germline.
Comment: In summary, the available evidence is currently insufficient to determine the role of this variant in disease. Therefore, it has been classified as a Variant of Uncertain Significance. Algorithms developed to predict the effect of missense changes on protein structure and function output the following: SIFT: "Tolerated"; PolyPhen-2: "Benign"; Align-GVGD: "Class C0". The threonine amino acid residue is found in multiple mammalian species, which suggests that this missense change does not adversely affect protein function. This variant has not been reported in the literature in individuals affected with HMCN1-related conditions. This variant is present in population databases (rs763411017, gnomAD 0.01%). This sequence change replaces alanine, which is neutral and non-polar, with threonine, which is neutral and polar, at codon 1472 of the HMCN1 protein (p.Ala1472Thr).

Ambry Genetics
Classification: Likely benign. Last evaluated: 2021-10-29. Review status: criteria provided, single submitter. Criteria: Ambry Variant Classification Scheme 2023. Collection method: clinical testing. Allele origin: germline.